The following is an entry in ClinVar:

NM_001256071.3(RNF213):c.103G>A (p.Glu35Lys)

Gene: RNF213 (ring finger protein 213; plus strand). Cytogenetic location: 17q25.3.
Variant type: single nucleotide variant.
Coding change: c.103G>A on transcript NM_001256071.3 (MANE Select); coding-DNA position 103, G replaced by A.
Protein change: p.Glu35Lys; replaces glutamic acid 35 with lysine.
Molecular consequence: missense variant.
Genome position (GRCh38, 1-based): chr17:80,273,246, G>A. VCF-style: chr17-80273246-G-A. GRCh37 (hg19) VCF-style: chr17-78247045-G-A.
Other names: p.Glu35Lys; c.103G>A, p.Glu35Lys (NM_020954.4); short protein forms E35K.
Identifiers: ClinVar variation 786953 (VCV000786953.9), dbSNP rs113614776, ClinGen allele CA8819140.
Genomic context (GRCh38, chr17:80,273,246, plus strand): 5'-TTCCTAACACTCGCTTCTCTCTGAGATCTGACCCTTCCTTCATCTGCCGTTACAGATTCT[G>A]AGAACAATAACTCCACAATGGCGTCGGCCTCGGAGGGTGAAATGGAGTGTGGGCAGGAGC-3'
Protein context (NP_001243000.2, residues 25-45): LPPAAPIADS[Glu35Lys]NNNSTMASAS

ClinVar aggregate classification (germline): Benign. Review status: criteria provided, multiple submitters, no conflicts (2 of 4 stars). 3 submissions from 3 submitters: Benign (3). Last evaluated 2025-11-10.

Allele frequency attached by ClinVar (database versions not stated): ESP Exome Variant Server 0.00884; gnomAD exomes 0.00079 and 0.00208; ExAC 0.00250; 1000 Genomes Project 0.00719; gnomAD 0.00731 and 0.00780; 1000 Genomes Project 30x 0.00796; TOPMed 0.00867.
gnomAD v4.1: 2,327 of 1,613,582 alleles (0.14%); highest among the groups gnomAD compares: African/African-American, 2.7%; 41 homozygotes.

Submissions (3):

Labcorp Genetics (formerly Invitae), Labcorp
Classification: Benign. Last evaluated: 2025-11-10. Review status: criteria provided, single submitter. Criteria: Invitae Variant Classification Sherloc (09022015). Collection method: clinical testing. Allele origin: germline.

Mayo Clinic Laboratories, Mayo Clinic
Classification: Benign. Last evaluated: 2024-02-22. Review status: criteria provided, single submitter. Criteria: ACMG Guidelines, 2015. Collection method: clinical testing. Allele origin: germline. Observed: 5 variant alleles.
Comment: BS1, BS2, BP4

Breakthrough Genomics
Classification: Benign. Review status: criteria provided, single submitter. Criteria: ACMG Guidelines, 2015. Collection method: not provided. Allele origin: germline. Inheritance: Autosomal dominant inheritance. Affected: yes.